The following is an entry in ClinVar:

ClinVar aggregate classification (germline): Pathogenic. Review status: criteria provided, multiple submitters, no conflicts (2 of 4 stars). 2 submissions from 2 submitters: Pathogenic (2). Last evaluated 2021-06-17.

Conditions:
Legius syndrome. Identifiers: Orphanet 137605, MedGen C1969623, MONDO:0012669, OMIM 611431. Disease mechanism: loss of function.

Submissions (2):

Molecular Diagnostics Laboratory, M Health Fairview: University of Minnesota
Classification: Pathogenic for Legius syndrome. Last evaluated: 2021-06-17. Review status: criteria provided, single submitter. Criteria: ACMG Guidelines, 2015. Collection method: clinical testing. Allele origin: germline. Affected: yes.

Labcorp Genetics (formerly Invitae), Labcorp
Classification: Pathogenic for Legius syndrome. Last evaluated: 2021-04-17. Review status: criteria provided, single submitter. Criteria: Invitae Variant Classification Sherloc (09022015). Collection method: clinical testing. Allele origin: germline.
Comment: For these reasons, this variant has been classified as Pathogenic. This variant has been observed in individual(s) with clinical features of Legius syndrome (PMID: 22753041). This variant is not present in population databases (ExAC no frequency). This sequence change creates a premature translational stop signal (p.Gln50*) in the SPRED1 gene. It is expected to result in an absent or disrupted protein product. Loss-of-function variants in SPRED1 are known to be pathogenic (PMID: 17704776).

Literature cited by the submitters: PubMed 22753041 (cited by Labcorp Genetics (formerly Invitae), Labcorp); PubMed 17704776 (cited by Labcorp Genetics (formerly Invitae), Labcorp).

NM_152594.3(SPRED1):c.148C>T (p.Gln50Ter)

Gene: SPRED1 (sprouty related EVH1 domain containing 1; plus strand). Cytogenetic location: 15q14.
Variant type: single nucleotide variant.
Coding change: c.148C>T on transcript NM_152594.3 (MANE Select); coding-DNA position 148, C replaced by T.
Protein change: p.Gln50Ter; replaces glutamine 50 with a stop codon.
Molecular consequence: nonsense.
Genome position (GRCh38, 1-based): chr15:38,299,488, C>T. VCF-style: chr15-38299488-C-T. GRCh37 (hg19) VCF-style: chr15-38591689-C-T.
Other names: p.Gln50X; short protein forms Q50*.
Identifiers: ClinVar variation 1300146 (VCV001300146.9), dbSNP rs148646547, ClinGen allele CA269287900.
Genomic context (GRCh38, chr15:38,299,488, plus strand): 5'-GGATGGTTACCACTTGGAGGGAGTGGACTAAGCAGCGTCACTGTCTTCAAAGTCCCTCAT[C>T]AGGAAGAGAATGGCTGTGCTGACTTTTTTATCCGTGGAGAGCGACTCAGGGACAAAATGG-3'